The following is an entry in ClinVar:

ClinVar aggregate classification (germline): Uncertain significance. Review status: criteria provided, single submitter (1 of 4 stars). 2 submissions from 2 submitters: Uncertain significance (1). 1 of the submissions does not count toward it. Last evaluated 2025-10-14.

Conditions:
Alstrom syndrome (ALMS). Identifiers: Orphanet 64, MedGen C0268425, MONDO:0008763, OMIM 203800.

Allele frequency attached by ClinVar (database versions not stated): gnomAD exomes 0.00001 and 0.00002; TOPMed 0.00001; ExAC 0.00002.
gnomAD v4.1: 15 of 1,614,020 alleles (0.00093%); highest among the groups gnomAD compares: Middle Eastern, 0.016%; 2 homozygotes.

Submissions (2):

Labcorp Genetics (formerly Invitae), Labcorp
Classification: Uncertain significance for Alstrom syndrome. Last evaluated: 2025-10-14. Review status: criteria provided, single submitter. Criteria: Invitae Variant Classification Sherloc (09022015). Collection method: clinical testing. Allele origin: germline.
Comment: This sequence change replaces glycine, which is neutral and non-polar, with serine, which is neutral and polar, at codon 3259 of the ALMS1 protein (p.Gly3259Ser). This variant is present in population databases (rs769100528, gnomAD 0.02%). This variant has not been reported in the literature in individuals affected with ALMS1-related conditions. ClinVar contains an entry for this variant (Variation ID: 862117). Experimental studies and prediction algorithms are not available or were not evaluated, and the functional significance of this variant is currently unknown. In summary, the available evidence is currently insufficient to determine the role of this variant in disease. Therefore, it has been classified as a Variant of Uncertain Significance.

Natera, Inc.
Classification: Uncertain significance for Alstrom syndrome. Last evaluated: 2020-09-16. Review status: no assertion criteria provided. Collection method: clinical testing. Allele origin: germline. Not counted in ClinVar's aggregate classification.

NM_001378454.1(ALMS1):c.9772G>A (p.Gly3258Ser)

Gene: ALMS1 (ALMS1 centrosome and basal body associated protein; plus strand). Cytogenetic location: 2p13.1.
Variant type: single nucleotide variant.
Coding change: c.9772G>A on transcript NM_001378454.1 (MANE Select); coding-DNA position 9772, G replaced by A.
Protein change: p.Gly3258Ser; replaces glycine 3258 with serine.
Molecular consequence: missense variant.
Genome position (GRCh38, 1-based): chr2:73,520,007, G>A. VCF-style: chr2-73520007-G-A. GRCh37 (hg19) VCF-style: chr2-73747134-G-A.
Other names: c.9775G>A, p.Gly3259Ser (NM_015120.4); short protein forms G3258S, G3259S.
Identifiers: ClinVar variation 862117 (VCV000862117.6), dbSNP rs769100528, ClinGen allele CA1714764.